The following is an entry in ClinVar:

NM_004006.3(DMD):c.718C>T (p.Pro240Ser)

Gene: DMD (dystrophin; minus strand). Cytogenetic location: Xp21.1.
Variant type: single nucleotide variant.
Coding change: c.718C>T on transcript NM_004006.3 (MANE Select); coding-DNA position 718, C replaced by T.
Protein change: p.Pro240Ser; replaces proline 240 with serine.
Molecular consequence: missense variant.
Genome position (GRCh38, 1-based): chrX:32,699,225, G>A on the plus strand (C>T on the coding strand, the complement: DMD is on the minus strand). VCF-style: chrX-32699225-G-A. GRCh37 (hg19) VCF-style: chrX-32717342-G-A.
Other names: c.694C>T, p.Pro232Ser (NM_000109.4); c.706C>T, p.Pro236Ser (NM_004009.3); c.349C>T, p.Pro117Ser (NM_004010.3); short protein forms P232S, P240S, P236S, P117S.
Identifiers: ClinVar variation 4751249 (VCV004751249.1).
Genomic context (GRCh38, chrX:32,699,225, plus strand): 5'-CTTTAGGTGGCCTTGGCAACATTTCCACTTCCTGGATGGCTTCAATGCTCACTTGTTGAG[G>A]CAAAACTTGGAAGAGTGATGTGATGTACATTAAGATGGACTTCTTATCTGGATAGGTGGT-3'
Protein context (NP_003997.2, residues 230-250): MYITSLFQVL[Pro240Ser]QQVSIEAIQE

ClinVar aggregate classification (germline): Uncertain significance (1 of 4 stars; one submission).

Conditions:
Duchenne muscular dystrophy (DMD). Also called: MUSCULAR DYSTROPHY, PSEUDOHYPERTROPHIC PROGRESSIVE, DUCHENNE TYPE; Duchenne Muscular Dystrophy (DMD). Identifiers: Orphanet 98896, MedGen C0013264, MONDO:0010679, OMIM 310200.

gnomAD v4.1: 1 of 1,209,115 alleles (0.000083%); highest among the groups gnomAD compares: Non-Finnish European, 0.00011%; no homozygotes.

Submission:

Labcorp Genetics (formerly Invitae), Labcorp
Classification: Uncertain significance for Duchenne muscular dystrophy. Last evaluated: 2026-01-04. Review status: criteria provided, single submitter. Criteria: Invitae Variant Classification Sherloc (09022015). Collection method: clinical testing. Allele origin: germline.
Comment: This sequence change replaces proline, which is neutral and non-polar, with serine, which is neutral and polar, at codon 240 of the DMD protein (p.Pro240Ser). This variant is not present in population databases (gnomAD no frequency). This variant has not been reported in the literature in individuals affected with DMD-related conditions. Invitae Evidence Modeling of protein sequence and biophysical properties (such as structural, functional, and spatial information, amino acid conservation, physicochemical variation, residue mobility, and thermodynamic stability) indicates that this missense variant is not expected to disrupt DMD protein function with a negative predictive value of 95%. In summary, the available evidence is currently insufficient to determine the role of this variant in disease. Therefore, it has been classified as a Variant of Uncertain Significance.